The following is an entry in ClinVar:

NM_133433.4(NIPBL):c.7485A>G (p.Glu2495=)

Gene: NIPBL (NIPBL cohesin loading factor; plus strand). Cytogenetic location: 5p13.2.
Variant type: single nucleotide variant.
Coding change: c.7485A>G on transcript NM_133433.4 (MANE Select); coding-DNA position 7485, A replaced by G.
Protein change: p.Glu2495=; no amino-acid change (glutamic acid 2495 retained).
Molecular consequence: synonymous variant.
Genome position (GRCh38, 1-based): chr5:37,058,965, A>G. VCF-style: chr5-37058965-A-G. GRCh37 (hg19) VCF-style: chr5-37059067-A-G.
Other names: c.7485A>G, p.Glu2495= (NM_015384.5).
Identifiers: ClinVar variation 3036077 (VCV003036077.2), dbSNP rs748587506, ClinGen allele CA3237216.

ClinVar aggregate classification (germline): Likely benign (0 of 4 stars; one submission).

Conditions:
NIPBL-related disorder. Also called: NIPBL-related condition.

Allele frequency attached by ClinVar (database versions not stated): gnomAD exomes below 0.00001; ExAC 0.00001.
gnomAD v4.1: 1 of 1,614,260 alleles (0.000062%); highest among the groups gnomAD compares: South Asian, 0.0011%; no homozygotes.

Submission:

PreventionGenetics, part of Exact Sciences
Classification: Likely benign for NIPBL-related condition. Last evaluated: 2020-07-23. Review status: no assertion criteria provided. Collection method: clinical testing. Allele origin: germline.
Comment: This variant is classified as likely benign based on ACMG/AMP sequence variant interpretation guidelines (Richards et al. 2015 PMID: 25741868, with internal and published modifications).